The following is an entry in ClinVar:

NM_015346.4(ZFYVE26):c.6250del (p.Glu2084fs)

Gene: ZFYVE26 (zinc finger FYVE-type containing 26; minus strand). Cytogenetic location: 14q24.1.
Variant type: Deletion.
Coding change: c.6250del on transcript NM_015346.4 (MANE Select); coding-DNA position 6250, one base deleted (G; older notation c.6250delG).
Protein change: p.Glu2084fs; shifts the reading frame from glutamic acid 2084.
Molecular consequence: frameshift variant.
Genome position (GRCh38, 1-based): chr14:67,762,322, C deleted on the plus strand (G on the coding strand, the reverse complement: ZFYVE26 is on the minus strand); the first of 3 consecutive C bases (chr14:67,762,322-67,762,324); deleting any one gives the same sequence. VCF-style (leftmost placement, unchanged base first): chr14-67762321-TC-T. GRCh37 (hg19) VCF-style: chr14-68229038-TC-T.
Other names: p.Glu2084Argfs*7; short protein forms E2084fs.
Identifiers: ClinVar variation 4541869 (VCV004541869.2).
Genomic context (GRCh38, chr14:67,762,321, plus strand): 5'-CTTGAGCCATGATTCAGCTGATTGAGGTCAAATGGGGGCTTCAGACAGCGACTGAACTTC[TC>T]CCGTGCAGCAGTGAGGTTCCCGGCTTTGAGGCAGGCCATGCCCCAAGCATGCCACGCCCC-3'

ClinVar aggregate classification (germline): Pathogenic/Likely pathogenic. Review status: criteria provided, multiple submitters, no conflicts (2 of 4 stars). 2 submissions from 2 submitters: Pathogenic (1); Likely pathogenic (1). Last evaluated 2025-10-01.

Conditions:
Spastic paraplegia. Identifiers: MedGen C0037772, HP:0001258.

Submissions (2):

Mayo Clinic Laboratories, Mayo Clinic
Classification: Likely pathogenic. Last evaluated: 2025-10-01. Review status: criteria provided, single submitter. Criteria: ACMG Guidelines, 2015. Collection method: clinical testing. Allele origin: germline. Observed: 1 variant allele.
Comment: PM2_supporting, PVS1

Labcorp Genetics (formerly Invitae), Labcorp
Classification: Pathogenic for Spastic paraplegia. Last evaluated: 2025-04-27. Review status: criteria provided, single submitter. Criteria: Invitae Variant Classification Sherloc (09022015). Collection method: clinical testing. Allele origin: germline.
Comment: This sequence change creates a premature translational stop signal (p.Glu2084Argfs*7) in the ZFYVE26 gene. It is expected to result in an absent or disrupted protein product. Loss-of-function variants in ZFYVE26 are known to be pathogenic (PMID: 18394578, 19805727). This variant is not present in population databases (gnomAD no frequency). This variant has not been reported in the literature in individuals affected with ZFYVE26-related conditions. For these reasons, this variant has been classified as Pathogenic.

Literature cited by the submitters: PubMed 18394578 (cited by Labcorp Genetics (formerly Invitae), Labcorp); PubMed 19805727 (cited by Labcorp Genetics (formerly Invitae), Labcorp).